The following is an entry in ClinVar:

NM_001005242.3(PKP2):c.1561A>G (p.Met521Val)

Gene: PKP2 (plakophilin 2; minus strand). Cytogenetic location: 12p11.21.
Variant type: single nucleotide variant.
Coding change: c.1561A>G on transcript NM_001005242.3 (MANE Select); coding-DNA position 1561, A replaced by G.
Protein change: p.Met521Val; replaces methionine 521 with valine.
Molecular consequence: missense variant.
Genome position (GRCh38, 1-based): chr12:32,824,158, T>C on the plus strand (A>G on the coding strand, the complement: PKP2 is on the minus strand). VCF-style: chr12-32824158-T-C. GRCh37 (hg19) VCF-style: chr12-32977092-T-C.
Other names: c.1561A>G, p.Met521Val (NM_001407155.1, NM_001407156.1, NM_001407161.1); c.1693A>G, p.Met565Val (NM_001407157.1, NM_004572.4); c.1234A>G, p.Met412Val (NM_001407158.1, NM_001407159.1, NM_001407160.1 and 1 more transcripts); short protein forms M521V, M412V, M565V.
Identifiers: ClinVar variation 3307099 (VCV003307099.1).

ClinVar aggregate classification (germline): Uncertain significance (1 of 4 stars; one submission).

Conditions:
Cardiovascular phenotype. Identifiers: MedGen CN230736.

gnomAD v4.1: 4 of 1,607,764 alleles (0.00025%); highest among the groups gnomAD compares: East Asian, 0.0022%; no homozygotes.

Submission:

Ambry Genetics
Classification: Uncertain significance for Cardiovascular phenotype. Last evaluated: 2024-05-05. Review status: criteria provided, single submitter. Criteria: Ambry Variant Classification Scheme 2023. Collection method: clinical testing. Allele origin: germline.
Comment: The p.M565V variant (also known as c.1693A>G), located in coding exon 8 of the PKP2 gene, results from an A to G substitution at nucleotide position 1693. The methionine at codon 565 is replaced by valine, an amino acid with highly similar properties. This amino acid position is conserved. In addition, this alteration is predicted to be tolerated by in silico analysis. Based on the available evidence, the clinical significance of this variant remains unclear.